The following is an entry in ClinVar:

NM_152743.4(BRAT1):c.457C>T (p.Gln153Ter)

Gene: BRAT1 (BRCA1 associated ATM activator 1; minus strand). Cytogenetic location: 7p22.3.
Variant type: single nucleotide variant.
Coding change: c.457C>T on transcript NM_152743.4 (MANE Select); coding-DNA position 457, C replaced by T.
Protein change: p.Gln153Ter; replaces glutamine 153 with a stop codon.
Molecular consequence: nonsense. On other transcripts: 5 prime UTR variant (1), non-coding transcript variant (1).
Genome position (GRCh38, 1-based): chr7:2,543,936, G>A on the plus strand (C>T on the coding strand, the complement: BRAT1 is on the minus strand). VCF-style: chr7-2543936-G-A. GRCh37 (hg19) VCF-style: chr7-2583570-G-A.
Other names: c.457C>T, p.Gln153Ter (NM_001350626.2); c.-69C>T (NM_001350627.2); short protein forms Q153*.
Identifiers: ClinVar variation 3063773 (VCV003063773.1), dbSNP rs1359088166, ClinGen allele CA366632445.

ClinVar aggregate classification (germline): Pathogenic (1 of 4 stars; one submission).

Conditions:
Neurodevelopmental disorder with cerebellar atrophy and with or without seizures. Identifiers: MedGen C4748032, MONDO:0020841, OMIM 618056.

Allele frequency attached by ClinVar (database versions not stated): gnomAD exomes 0.00001.

Submission:

Women's Health and Genetics/Laboratory Corporation of America, LabCorp
Classification: Pathogenic for Neurodevelopmental disorder with cerebellar atrophy and with or without seizures. Last evaluated: 2024-01-04. Review status: criteria provided, single submitter. Criteria: LabCorp Variant Classification Summary - May 2015. Collection method: clinical testing. Allele origin: germline.
Comment: Variant summary: BRAT1 c.457C>T (p.Gln153X) results in a premature termination codon, predicted to cause a truncation of the encoded protein or absence of the protein due to nonsense mediated decay, which are commonly known mechanisms for disease. The variant was absent in 236830 control chromosomes. To our knowledge, no occurrence of c.457C>T in individuals affected with Neurodevelopmental Disorder With Cerebellar Atrophy And With Or Without Seizures and no experimental evidence demonstrating its impact on protein function have been reported. No submitters have cited clinical-significance assessments for this variant to ClinVar after 2014. Based on the evidence outlined above, the variant was classified as pathogenic.